The following is an entry in ClinVar:

NM_022168.4(IFIH1):c.1762A>C (p.Lys588Gln)

Gene: IFIH1 (interferon induced with helicase C domain 1; minus strand). Cytogenetic location: 2q24.2.
Variant type: single nucleotide variant.
Coding change: c.1762A>C on transcript NM_022168.4 (MANE Select); coding-DNA position 1762, A replaced by C.
Protein change: p.Lys588Gln; replaces lysine 588 with glutamine.
Molecular consequence: missense variant.
Genome position (GRCh38, 1-based): chr2:162,278,208, T>G on the plus strand (A>C on the coding strand, the complement: IFIH1 is on the minus strand). VCF-style: chr2-162278208-T-G. GRCh37 (hg19) VCF-style: chr2-163134718-T-G.
Other names: short protein forms K588Q.
Identifiers: ClinVar variation 2934783 (VCV002934783.3), dbSNP rs2468960561, ClinGen allele CA349000009.

ClinVar aggregate classification (germline): Uncertain significance (1 of 4 stars; one submission).

Conditions:
Aicardi-Goutieres syndrome 7 (AGS7). Identifiers: Orphanet 51, MedGen C3888244, MONDO:0014367, OMIM 615846.
Singleton-Merten syndrome 1 (SGMRT1). Also called: Widened medullary cavities of bone, aortic calcification, abnormal dentition, and muscular weakness; Syndrome of widened medullary cavities of the metacarpals and phalanges, aortic calcification and abnormal dentition. Identifiers: Orphanet 85191, MedGen C4225427, MONDO:0024535, OMIM 182250.

Allele frequency attached by ClinVar (database versions not stated): gnomAD exomes below 0.00001.
gnomAD v4.1: 1 of 1,603,238 alleles (0.000062%); highest among the groups gnomAD compares: Non-Finnish European, 0.000085%; no homozygotes.

Submission:

Labcorp Genetics (formerly Invitae), Labcorp
Classification: Uncertain significance for Aicardi-Goutieres syndrome 7; Singleton-Merten syndrome 1. Last evaluated: 2022-11-08. Review status: criteria provided, single submitter. Criteria: Invitae Variant Classification Sherloc (09022015). Collection method: clinical testing. Allele origin: germline.
Comment: In summary, the available evidence is currently insufficient to determine the role of this variant in disease. Therefore, it has been classified as a Variant of Uncertain Significance. Algorithms developed to predict the effect of missense changes on protein structure and function output the following: SIFT: "Tolerated"; PolyPhen-2: "Benign"; Align-GVGD: "Class C0". The glutamine amino acid residue is found in multiple mammalian species, which suggests that this missense change does not adversely affect protein function. This variant has not been reported in the literature in individuals affected with IFIH1-related conditions. This variant is not present in population databases (gnomAD no frequency). This sequence change replaces lysine, which is basic and polar, with glutamine, which is neutral and polar, at codon 588 of the IFIH1 protein (p.Lys588Gln).